The following is an entry in ClinVar:

NM_032119.4(ADGRV1):c.1013A>G (p.His338Arg)

Gene: ADGRV1 (adhesion G protein-coupled receptor V1; plus strand). Cytogenetic location: 5q14.3.
Variant type: single nucleotide variant.
Coding change: c.1013A>G on transcript NM_032119.4 (MANE Select); coding-DNA position 1013, A replaced by G.
Protein change: p.His338Arg; replaces histidine 338 with arginine.
Molecular consequence: missense variant. On other transcripts: non-coding transcript variant (1).
Genome position (GRCh38, 1-based): chr5:90,627,551, A>G. VCF-style: chr5-90627551-A-G. GRCh37 (hg19) VCF-style: chr5-89923368-A-G.
Other names: short protein forms H338R.
Identifiers: ClinVar variation 1372424 (VCV001372424.6), dbSNP rs1764928931, ClinGen allele CA360368592.

ClinVar aggregate classification (germline): Uncertain significance (1 of 4 stars; one submission).

Allele frequency attached by ClinVar (database versions not stated): gnomAD exomes 0.00001.
gnomAD v4.1: 4 of 1,613,850 alleles (0.00025%); highest among the groups gnomAD compares: African/African-American, 0.0013%; no homozygotes.

Submission:

Labcorp Genetics (formerly Invitae), Labcorp
Classification: Uncertain significance. Last evaluated: 2022-06-27. Review status: criteria provided, single submitter. Criteria: Invitae Variant Classification Sherloc (09022015). Collection method: clinical testing. Allele origin: germline.
Comment: In summary, the available evidence is currently insufficient to determine the role of this variant in disease. Therefore, it has been classified as a Variant of Uncertain Significance. Algorithms developed to predict the effect of missense changes on protein structure and function are either unavailable or do not agree on the potential impact of this missense change (SIFT: "Deleterious"; PolyPhen-2: "Benign"; Align-GVGD: "Class C0"). This variant has not been reported in the literature in individuals affected with ADGRV1-related conditions. This variant is not present in population databases (gnomAD no frequency). This sequence change replaces histidine, which is basic and polar, with arginine, which is basic and polar, at codon 338 of the ADGRV1 protein (p.His338Arg).